The following is an entry in ClinVar:

NM_002693.3(POLG):c.2259T>G (p.Pro753=)

Gene: POLG (DNA polymerase gamma, catalytic subunit; minus strand). Cytogenetic location: 15q26.1.
Variant type: single nucleotide variant.
Coding change: c.2259T>G on transcript NM_002693.3 (MANE Select); coding-DNA position 2259, T replaced by G.
Protein change: p.Pro753=; no amino-acid change (proline 753 retained).
Molecular consequence: synonymous variant.
Genome position (GRCh38, 1-based): chr15:89,323,410, A>C on the plus strand (T>G on the coding strand, the complement: POLG is on the minus strand). VCF-style: chr15-89323410-A-C. GRCh37 (hg19) VCF-style: chr15-89866641-A-C.
Other names: c.2259T>G, p.Pro753= (NM_001126131.2).
Identifiers: ClinVar variation 1536432 (VCV001536432.32), dbSNP rs2055426550, ClinGen allele CA492076194.
Genomic context (GRCh38, chr15:89,323,410, plus strand): 5'-GGCCTTGAGCAGAATGAGGAAACACCACAGGACAGGCCATGACCCAGGACACACCTTGTG[A>C]GGCAGCTTGAAAAACCAGCAGCCAGGGATGTCCACGTCGTTGTAAGGTCCATTGCCATGG-3'
Protein context (NP_002684.1, residues 743-763): DIPGCWFFKL[Pro753=]HKDGNSCNVG

ClinVar aggregate classification (germline): Likely benign. Review status: criteria provided, multiple submitters, no conflicts (2 of 4 stars). 2 submissions from 2 submitters: Likely benign (2). Last evaluated 2026-01-06.

Conditions:
Progressive sclerosing poliodystrophy (MTDPS4A). Also called: Mitochondrial DNA Depletion Syndrome 4A; ALPERS DIFFUSE DEGENERATION OF CEREBRAL GRAY MATTER WITH HEPATIC CIRRHOSIS; Alpers Syndrome; ALPERS PROGRESSIVE INFANTILE POLIODYSTROPHY; Alpers-Huttenlocher Syndrome; NEURONAL DEGENERATION OF CHILDHOOD WITH LIVER DISEASE, PROGRESSIVE. Identifiers: Orphanet 726, MedGen C0205710, MONDO:0008758, OMIM 203700.

Allele frequency attached by ClinVar (database versions not stated): gnomAD exomes 0.00001; TOPMed 0.00001.
gnomAD v4.1: 7 of 1,604,376 alleles (0.00044%); highest among the groups gnomAD compares: Non-Finnish European, 0.0006%; no homozygotes.

Submissions (2):

Labcorp Genetics (formerly Invitae), Labcorp
Classification: Likely benign for Progressive sclerosing poliodystrophy. Last evaluated: 2026-01-06. Review status: criteria provided, single submitter. Criteria: Invitae Variant Classification Sherloc (09022015). Collection method: clinical testing. Allele origin: germline.

CeGaT Center for Human Genetics Tuebingen
Classification: Likely benign. Last evaluated: 2022-03-01. Review status: criteria provided, single submitter. Criteria: CeGaT Center For Human Genetics Tuebingen Variant Classification Criteria Version 2. Collection method: clinical testing. Allele origin: germline. Affected: yes. Observed: 1 variant allele.
Comment: POLG: PM2:Supporting, BP4, BP7